The following is an entry in ClinVar:

ClinVar aggregate classification (germline): Uncertain significance. Review status: criteria provided, multiple submitters, no conflicts (2 of 4 stars). 2 submissions from 2 submitters: Uncertain significance (2). Last evaluated 2026-01-15.

Conditions:
Hereditary cancer-predisposing syndrome. Also called: Tumor predisposition; Neoplastic Syndromes, Hereditary; Hereditary neoplastic syndrome; Hereditary Cancer Syndrome. Identifiers: Orphanet 140162, MedGen C0027672, MeSH D009386, MONDO:0015356.
Gastrointestinal stromal tumor. Also called: Gastrointestinal stromal tumor, somatic; Gastrointestinal stroma tumor. Identifiers: Orphanet 44890, MedGen C0238198, MeSH D046152, MONDO:0011719, OMIM 606764, HP:0100723.

Allele frequency attached by ClinVar (database versions not stated): TOPMed below 0.00001; gnomAD 0.00001.
gnomAD v4.1: 1 of 1,613,956 alleles (0.000062%); no homozygotes.

Submissions (2):

Ambry Genetics
Classification: Uncertain significance for Hereditary cancer-predisposing syndrome. Last evaluated: 2026-01-15. Review status: criteria provided, single submitter. Criteria: Ambry Variant Classification Scheme 2023. Collection method: clinical testing. Allele origin: germline.
Comment: The p.H519Q variant (also known as c.1557C>A), located in coding exon 10 of the KIT gene, results from a C to A substitution at nucleotide position 1557. The histidine at codon 519 is replaced by glutamine, an amino acid with highly similar properties. This amino acid position is conserved. In addition, the in silico prediction for this alteration is inconclusive. Based on the available evidence, the clinical significance of this variant remains unclear.

Labcorp Genetics (formerly Invitae), Labcorp
Classification: Uncertain significance for Gastrointestinal stromal tumor. Last evaluated: 2023-10-27. Review status: criteria provided, single submitter. Criteria: Invitae Variant Classification Sherloc (09022015). Collection method: clinical testing. Allele origin: germline.
Comment: This sequence change replaces histidine, which is basic and polar, with glutamine, which is neutral and polar, at codon 519 of the KIT protein (p.His519Gln). This variant is not present in population databases (gnomAD no frequency). This variant has not been reported in the literature in individuals affected with KIT-related conditions. ClinVar contains an entry for this variant (Variation ID: 1027202). An algorithm developed to predict the effect of missense changes on protein structure and function (PolyPhen-2) suggests that this variant is likely to be disruptive. In summary, the available evidence is currently insufficient to determine the role of this variant in disease. Therefore, it has been classified as a Variant of Uncertain Significance.

NM_000222.3(KIT):c.1557C>A (p.His519Gln)

Gene: KIT (KIT proto-oncogene, receptor tyrosine kinase; plus strand). Cytogenetic location: 4q12.
Variant type: single nucleotide variant.
Coding change: c.1557C>A on transcript NM_000222.3 (MANE Select); coding-DNA position 1557, C replaced by A.
Protein change: p.His519Gln; replaces histidine 519 with glutamine.
Molecular consequence: missense variant.
Genome position (GRCh38, 1-based): chr4:54,727,234, C>A. VCF-style: chr4-54727234-C-A. GRCh37 (hg19) VCF-style: chr4-55593400-C-A.
Other names: c.1545C>A, p.His515Gln (NM_001093772.2, NM_001385286.1); c.1560C>A, p.His520Gln (NM_001385284.1, NM_001385290.1); c.1557C>A, p.His519Gln (NM_001385285.1); c.1548C>A, p.His516Gln (NM_001385288.1, NM_001385292.1); c.1557C>A (NM_000222.2); short protein forms H515Q, H516Q, H519Q, H520Q.
Identifiers: ClinVar variation 1027202 (VCV001027202.17), dbSNP rs1722281042, ClinGen allele CA356906906.